The following is an entry in ClinVar:

ClinVar aggregate classification (germline): Likely pathogenic. Review status: criteria provided, single submitter (1 of 4 stars). 2 submissions from 2 submitters: Likely pathogenic (1). 1 of the submissions does not count toward it. Last evaluated 2024-03-03.

Conditions:
Tan-Almurshedi syndrome (TANALS). Identifiers: MedGen C5882727, MONDO:0957990, OMIM 620641.

Submissions (2):

SIB Swiss Institute of Bioinformatics
Classification: Likely pathogenic for Tan-Almurshedi syndrome. Last evaluated: 2024-03-03. Review status: criteria provided, single submitter. Criteria: ACMG Guidelines, 2015. Collection method: curation. Allele origin: unknown. Affected: yes.
Comment: This variant is interpreted for Tan-Almurshedi syndrome, autosomal recessive. The following ACMG Tag(s) were applied: Absent from controls (or at extremely low frequency if recessive) in gnomAD (PM2). Predicted nullvariant in a gene where LOF is a known mechanism of disease (PVS1-strong). Well-established functional studies show a deleterious effect (PS3-supporting).

OMIM
Classification: Pathogenic for TAN-ALMURSHEDI SYNDROME. Last evaluated: 2023-12-07. Review status: no assertion criteria provided. Collection method: literature only. Allele origin: germline. Not counted in ClinVar's aggregate classification.

Literature cited by the submitters: PubMed 37179472 (cited by SIB Swiss Institute of Bioinformatics); Westrip, C. A. E., Paul, F., Al-Murshedi, F., Qaitoon, H., Cham, B., Fletcher, S. C., Hendrix, E., Boora, U., Ng, A. Y. J., Bonnard, C., Najafi, M., Alawbathani, S., Lambert, I., Fox, G., Venkatesh, B., Bertoli-Avella, A., Tan, E. S., Al-Maawali, A., Reversade, B., Coleman, M. L. Inactivation of DRG1, encoding a translation factor GTPase, causes a recessive neurodevelopmental disorder. Genet. Med. 25: 100893, 2023. (cited by OMIM).

NM_004147.4(DRG1):c.787A>T (p.Lys263Ter)

Gene: DRG1 (developmentally regulated GTP binding protein 1; plus strand). Cytogenetic location: 22q12.2.
Variant type: single nucleotide variant.
Coding change: c.787A>T on transcript NM_004147.4 (MANE Select); coding-DNA position 787, A replaced by T.
Protein change: p.Lys263Ter; replaces lysine 263 with a stop codon.
Molecular consequence: nonsense.
Genome position (GRCh38, 1-based): chr22:31,426,688, A>T. VCF-style: chr22-31426688-A-T. GRCh37 (hg19) VCF-style: chr22-31822674-A-T.
Other names: short protein forms K263*.
Identifiers: ClinVar variation 2664494 (VCV002664494.3), dbSNP rs2517548621, ClinGen allele CA411263334.